The following is an entry in ClinVar:

ClinVar aggregate classification (germline): Uncertain significance (1 of 4 stars; one submission).

Conditions:
Intellectual disability, X-linked 49 (MRXSRC). Also called: MRX49; MENTAL RETARDATION, X-LINKED 15; RAYNAUD-CLAES SYNDROME; CLCN4-Related Neurodevelopmental Disorder; CLCN4-related X-linked intellectual disability syndrome. Identifiers: Orphanet 485350, Orphanet 777, MedGen C0796221, MONDO:0010250, OMIM 300114.

Submission:

Dasa
Classification: Uncertain significance for Intellectual disability, X-linked 49. Last evaluated: 2026-01-15. Review status: criteria provided, single submitter. Criteria: DASA Assertion Criteria. Collection method: clinical testing. Allele origin: germline.
Comment: NM_001830.4(CLCN4):c.1160A>C (p.Asn387Thr) is a missense variant that results in the substitution of asparagine with threonine. This variant is absent from population databases. Computational prediction algorithms are consistent with a deleterious effect. The currently available literature and clinical evidence are not sufficient to establish a definitive association between this variant and the reported condition. Therefore, this variant is classified as a variant of uncertain significance.

NM_001830.4(CLCN4):c.1160A>C (p.Asn387Thr)

Gene: CLCN4 (Cl-/H+ antiporter 4; plus strand). Cytogenetic location: Xp22.2.
Variant type: single nucleotide variant.
Coding change: c.1160A>C on transcript NM_001830.4 (MANE Select); coding-DNA position 1160, A replaced by C.
Protein change: p.Asn387Thr; replaces asparagine 387 with threonine.
Molecular consequence: missense variant.
Genome position (GRCh38, 1-based): chrX:10,208,361, A>C. VCF-style: chrX-10208361-A-C. GRCh37 (hg19) VCF-style: chrX-10176401-A-C.
Other names: c.878A>C, p.Asn293Thr (NM_001256944.2); short protein forms N293T, N387T.
Identifiers: ClinVar variation 4882426 (VCV004882426.2).